The following is an entry in ClinVar:

NM_133379.5(TTN):c.16516G>T (p.Glu5506Ter)

Gene: TTN (titin; minus strand). Cytogenetic location: 2q31.2.
Variant type: single nucleotide variant.
Coding change: c.16516G>T on transcript NM_133379.5; coding-DNA position 16516, G replaced by T.
Protein change: p.Glu5506Ter; replaces glutamic acid 5506 with a stop codon.
Molecular consequence: nonsense. On other transcripts: intron variant (6).
Genome position (GRCh38, 1-based): chr2:178,745,884, C>A on the plus strand (G>T on the coding strand, the complement: TTN is on the minus strand). VCF-style: chr2-178745884-C-A. GRCh37 (hg19) VCF-style: chr2-179610611-C-A.
Other names: c.10223-3963G>T (NM_003319.4); c.10799-3963G>T (NM_133437.4); c.10598-3963G>T (NM_133432.3); c.10360+7240G>T (NM_133378.4); c.10361-3963G>T (NM_001256850.1); c.11312-3963G>T (NM_001267550.2); c.16516G>T (LRG_391t2); short protein forms E5506*.
Identifiers: ClinVar variation 166247 (VCV000166247.15), dbSNP rs148430495, ClinGen allele CA179061.

ClinVar aggregate classification (germline): Uncertain significance. Review status: criteria provided, multiple submitters, no conflicts (2 of 4 stars). 6 submissions from 6 submitters: Uncertain significance (6). Last evaluated 2025-01-16.

Conditions:
Autosomal recessive limb-girdle muscular dystrophy type 2J (LGMDR10). Also called: MUSCULAR DYSTROPHY, LIMB-GIRDLE, AUTOSOMAL RECESSIVE 10; Limb-girdle muscular dystrophy, type 2J. Identifiers: Orphanet 140922, MedGen C1837342, MONDO:0012127, OMIM 608807.
Tibial muscular dystrophy (TMD). Also called: Tibial muscular dystrophy, tardive; Udd Distal Myopathy – Tibial Muscular Dystrophy; UDD MYOPATHY. Identifiers: Orphanet 609, MedGen C1838244, MONDO:0010870, OMIM 600334.
Myopathy, myofibrillar, 9, with early respiratory failure (MFM9). Also called: Myopathy, distal, with early respiratory failure, autosomal dominant; EDSTROM MYOPATHY; MYOPATHY, PROXIMAL, WITH EARLY RESPIRATORY MUSCLE INVOLVEMENT; Hereditary myopathy with early respiratory failure. Identifiers: Orphanet 178464, Orphanet 34521, MedGen C1863599, MONDO:0011362, OMIM 603689.
Dilated cardiomyopathy 1G (CMD1G). Identifiers: Orphanet 154, MedGen C1858763, MONDO:0011400, OMIM 604145.
Early-onset myopathy with fatal cardiomyopathy (CMYO5). Also called: CONGENITAL MYOPATHY 5 WITH CARDIOMYOPATHY; Salih Myopathy. Identifiers: Orphanet 289377, MedGen C2673677, MONDO:0012714, OMIM 611705. Disease mechanism: loss of function.
Hypertrophic cardiomyopathy 9. Also called: Familial hypertrophic cardiomyopathy 9. Identifiers: MedGen C1861065, MONDO:0013412, OMIM 613765.
Primary dilated cardiomyopathy (DCM). Also called: Dilated Cardiomyopathy. Identifiers: Orphanet 217604, MedGen C0007193, MeSH D002311, MONDO:0005021, HP:0001644. Inheritance: Various modes of inheritance.

Allele frequency attached by ClinVar (database versions not stated): ExAC 0.00003; gnomAD 0.00004 and 0.00005; gnomAD exomes 0.00006 and 0.00009; TOPMed 0.00007; ESP Exome Variant Server 0.00046.
gnomAD v4.1: 135 of 1,609,784 alleles (0.0084%); highest among the groups gnomAD compares: Middle Eastern, 0.017%; 1 homozygote.

Submissions (6):

Women's Health and Genetics/Laboratory Corporation of America, LabCorp
Classification: Uncertain significance. Last evaluated: 2025-01-16. Review status: criteria provided, single submitter. Criteria: LabCorp Variant Classification Summary - May 2015. Collection method: clinical testing. Allele origin: germline.
Comment: Variant summary: TTN NM_133378:c.10360+7240G>T is located at a position not widely known to affect splicing. This variant corresponds to c.11312-3963G>T in NM_001267550 and NM_133379:c.16516G>T p.Glu5506X, however nonsense mediated decay is not expected. Loss of function variants in all TTN bands are strongly associated with a spectrum of autosomal recessive titinopathies when exon expression (proportion spliced in, PSI, 1=complete expression) in skeletal muscle is >0.1 (PMID: 36977548, 39198997, 29598826, 32778822, 29691892, 33449170, 36977548, internal data). In contrast, loss of function variants in all TTN bands are only strongly associated with autosomal dominant TTN-related cardiomyopathies if located in exons constitutively expressed (PSI >0.9) in cardiac muscle, excluding extreme C-terminal exons 359-363 (PMID: 25589632, 31216868, 32964742, 34662387, 27869827, Shetty et al., Nat Cardiovasc Res 2024,, internal data). This variant has a maximum skeletal muscle PSI of 0.02 and a maximum cardiac muscle PSI of 0.035. Consensus agreement among computation tools predict no significant impact on normal splicing. However, these predictions have yet to be confirmed by functional studies. The variant allele was found at a frequency of 6.4e-05 in 330022 control chromosomes. This frequency is not significantly higher than estimated for a pathogenic variant in TTN causing Autosomal Recessive Titinopathy (6.4e-05 vs 0.00039), allowing no conclusion about variant significance. c.10360+7240G>T has been reported in the literature in individuals affected with clinical features of cardiomyopathy without strong evidence for causality (Jurgens_2022) and wad not enriched in the Atrial Fibrillation cohort from the UK Biobank (Connell_2021). These report(s) do not provide unequivocal conclusions about association of the variant with Autosomal Recessive Titinopathy and other TTN-related diseaes. To our knowledge, no experimental evidence demonstrating an impact on protein function has been reported. The following publications have been ascertained in the context of this evaluation (PMID: 31691645, 35177841, 33226272). ClinVar contains an entry for this variant (Variation ID: 166247). Based on the evidence outline above, and the lack of clinical evidence in a low PSI exon, the variant has been classified as uncertain significance.

Fulgent Genetics
Classification: Uncertain significance for Tibial muscular dystrophy; Myopathy, myofibrillar, 9, with early respiratory failure; Dilated cardiomyopathy 1G; Autosomal recessive limb-girdle muscular dystrophy type 2J; Early-onset myopathy with fatal cardiomyopathy; Hypertrophic cardiomyopathy 9. Last evaluated: 2021-09-08. Review status: criteria provided, single submitter. Criteria: ACMG Guidelines, 2015. Collection method: clinical testing. Allele origin: unknown.

Centre for Mendelian Genomics, University Medical Centre Ljubljana
Classification: Uncertain significance for Tibial muscular dystrophy. Last evaluated: 2019-10-02. Review status: criteria provided, single submitter. Criteria: ACMG Guidelines, 2015. Collection method: clinical testing. Allele origin: unknown. Affected: yes.
Comment: This variant was classified as: Uncertain significance. The available evidence on this variant's pathogenicity is insufficient or conflicting. The following ACMG criteria were applied in classifying this variant: No criteria apply.

Laboratory for Molecular Medicine, Mass General Brigham Personalized Medicine
Classification: Uncertain significance. Last evaluated: 2019-01-25. Review status: criteria provided, single submitter. Criteria: LMM Criteria. Collection method: clinical testing. Allele origin: germline. Observed: 1 variant allele.
Comment: Variant classified as Uncertain Significance - Favor Benign. The p.Glu5506X variant in TTN has not been previously reported in individuals with cardiomyopathy, but has been identified in 5/8598 of European American chromosomes by the NHLBI Exome Sequencing Project (dbSNP rs148430495). This variant is located in the last exon of an alternative transcript (Novex-3) and is expected to result in a truncated protein. Although truncating variants in the TTN gene are common in individuals with DCM (Herman 2012), the role of the Novex-3 transcript in cardiomyopathy is unclear. In summary, additional information is needed to fully assess the clinical significance of the Glu5506X variant.

Eurofins Ntd Llc (ga)
Classification: Uncertain significance. Last evaluated: 2017-11-28. Review status: criteria provided, single submitter. Criteria: EGL Classification Definitions 2015. Collection method: clinical testing. Allele origin: germline. Observed: 2 variant alleles, 2 heterozygotes.

Cardiovascular Biomedical Research Unit, Royal Brompton & Harefield NHS Foundation Trust
Classification: Uncertain significance for Primary dilated cardiomyopathy. Last evaluated: 2014-10-08. Review status: criteria provided, single submitter. Criteria: Roberts et al. 2015. Collection method: research. Allele origin: germline. Inheritance: Autosomal dominant inheritance. Affected: no. Observed: 3 variant alleles. Study: WHI cohort.
Comment: This TTN truncating variant (TTNtv) was identified in three individuals in this cohort. It affects only the Novex-3 isoform, which does not span the sarcomere and has not been implicated in DCM. In the seven cohorts assessed, TTNtv were found in 14% of ambulant DCM, 22% end-stage or familial DCM, and 2% controls. Heterozygous nonsense, frameshift and canonical splice-disrupting variants found in constitutive and other highly utilised exons are highly likely to be pathogenic when identified in individuals with phenotypically confirmed DCM. TTNtv found incidentally in healthy individuals (excluding familial assessment of DCM relatives) are thought to have low penetrance, particularly when identified in exons that are not constitutively expressed in the heart.

Literature cited by the submitters: PubMed 31691645 (cited by Women's Health and Genetics/Laboratory Corporation of America, LabCorp); PubMed 35177841 (cited by Women's Health and Genetics/Laboratory Corporation of America, LabCorp); PubMed 33226272 (cited by Women's Health and Genetics/Laboratory Corporation of America, LabCorp).